The following is an entry in ClinVar:

ClinVar aggregate classification (germline): Likely benign (0 of 4 stars; one submission).

Conditions:
OR52M1-related disorder. Also called: OR52M1-related condition.

Submission:

PreventionGenetics, part of Exact Sciences
Classification: Likely benign for OR52M1-related condition. Last evaluated: 2022-02-16. Review status: no assertion criteria provided. Collection method: clinical testing. Allele origin: germline.
Comment: This variant is classified as likely benign based on ACMG/AMP sequence variant interpretation guidelines (Richards et al. 2015 PMID: 25741868, with internal and published modifications).

NM_001004137.1(OR52M1):c.941_949del (p.Met314_Ile316del)

Gene: OR52M1 (olfactory receptor family 52 subfamily M member 1; plus strand). Cytogenetic location: 11p15.4.
Variant type: Deletion.
Coding change: c.941_949del on transcript NM_001004137.1 (MANE Select); coding-DNA positions 941 to 949, 9 bases deleted (TGAAGATTA; older notation c.941_949delTGAAGATTA).
Protein change: p.Met314_Ile316del.
Genome position (GRCh38, 1-based): chr11:4,546,131-4,546,139, TGAAGATTA deleted; deleting any 9 consecutive bases within chr11:4,546,130-4,546,139 gives the same sequence; the c. name uses the placement nearest the transcript's 3' end. VCF-style (leftmost placement, unchanged base first): chr11-4546129-AATGAAGATT-A. GRCh37 (hg19) VCF-style: chr11-4567359-AATGAAGATT-A.
Other names: c.941_949del9 (NM_001004137.1).
Identifiers: ClinVar variation 3041621 (VCV003041621.2), dbSNP rs148181600, ClinGen allele CA5832859.